The following is an entry in ClinVar:

ClinVar aggregate classification (germline): Benign. Review status: criteria provided, multiple submitters, no conflicts (2 of 4 stars). 4 submissions from 2 submitters: Benign (4). Last evaluated 2018-01-13.

Conditions:
Andersen Tawil syndrome (LQT7). Also called: Potassium-sensitive periodic paralysis, ventricular ectopy, and dysmorphic features; ANDERSEN CARDIODYSRHYTHMIC PERIODIC PARALYSIS; LONG QT SYNDROME 7; PERIODIC PARALYSIS, POTASSIUM-SENSITIVE CARDIODYSRHYTHMIC TYPE; Andersen Syndrome. Identifiers: Orphanet 37553, MedGen C1563715, MONDO:0008222, OMIM 170390.
Atrial fibrillation, familial, 9 (ATFB9). Identifiers: MedGen C3151431, MONDO:0013513, OMIM 613980.
Short QT syndrome type 3. Identifiers: Orphanet 51083, MedGen C1865018, MONDO:0012314, OMIM 609622.

Allele frequency attached by ClinVar (database versions not stated): 1000 Genomes Project 0.04872; gnomAD exomes 0.00074; gnomAD 0.01760 and 0.02010; TOPMed 0.02107; 1000 Genomes Project 30x 0.04653.
gnomAD v4.1: 3,040 of 166,992 alleles (1.8%); highest among the groups gnomAD compares: East Asian, 11%; 105 homozygotes.

Submissions (4):

Illumina Laboratory Services, Illumina
Classification: Benign for Atrial fibrillation, familial, 9. Last evaluated: 2018-01-13. Review status: criteria provided, single submitter. Criteria: ICSL Variant Classification Criteria 13 December 2019. Collection method: clinical testing. Allele origin: germline.
Comment: This variant was observed in the ICSL laboratory as part of a predisposition screen in an ostensibly healthy population. It had not been previously curated by ICSL or reported in the Human Gene Mutation Database (HGMD: prior to June 1st, 2018), and was therefore a candidate for classification through an automated scoring system. Utilizing variant allele frequency, disease prevalence and penetrance estimates, and inheritance mode, an automated score was calculated to assess if this variant is too frequent to cause the disease. Based on the score and internal cut-off values, a variant classified as benign is not then subjected to further curation. The score for this variant resulted in a classification of benign for this disease.

Illumina Laboratory Services, Illumina
Classification: Benign for Andersen Tawil syndrome. Last evaluated: 2018-01-13. Review status: criteria provided, single submitter. Criteria: ICSL Variant Classification Criteria 13 December 2019. Collection method: clinical testing. Allele origin: germline.
Comment: the same text as in the submission from Illumina Laboratory Services, Illumina above.

Illumina Laboratory Services, Illumina
Classification: Benign for Short QT syndrome type 3. Last evaluated: 2018-01-13. Review status: criteria provided, single submitter. Criteria: ICSL Variant Classification Criteria 13 December 2019. Collection method: clinical testing. Allele origin: germline.
Comment: the same text as in the submission from Illumina Laboratory Services, Illumina above.

Breakthrough Genomics
Classification: Benign. Review status: criteria provided, single submitter. Criteria: ACMG Guidelines, 2015. Collection method: not provided. Allele origin: germline. Inheritance: Autosomal dominant inheritance. Affected: yes.

NM_000891.3(KCNJ2):c.*3496T>C

Gene: KCNJ2 (potassium inwardly rectifying channel subfamily J member 2; plus strand). Cytogenetic location: 17q24.3.
Variant type: single nucleotide variant.
Coding change: c.*3496T>C on transcript NM_000891.3 (MANE Select); 3496 bases downstream of the stop codon, T replaced by C.
Molecular consequence: 3 prime UTR variant.
Genome position (GRCh38, 1-based): chr17:70,179,819, T>C. VCF-style: chr17-70179819-T-C. GRCh37 (hg19) VCF-style: chr17-68175960-T-C.
Identifiers: ClinVar variation 324896 (VCV000324896.6), dbSNP rs3815307, ClinGen allele CA10650828.